The following is an entry in ClinVar:

NM_002691.4(POLD1):c.1918A>G (p.Thr640Ala)

Gene: POLD1 (DNA polymerase delta 1, catalytic subunit; plus strand). Cytogenetic location: 19q13.33.
Variant type: single nucleotide variant.
Coding change: c.1918A>G on transcript NM_002691.4 (MANE Select); coding-DNA position 1918, A replaced by G.
Protein change: p.Thr640Ala; replaces threonine 640 with alanine.
Molecular consequence: missense variant. On other transcripts: non-coding transcript variant (1).
Genome position (GRCh38, 1-based): chr19:50,409,147, A>G. VCF-style: chr19-50409147-A-G. GRCh37 (hg19) VCF-style: chr19-50912404-A-G.
Other names: c.1918A>G, p.Thr640Ala (NM_001256849.1); c.1996A>G, p.Thr666Ala (NM_001308632.1); c.1918A>G (NM_002691.2); short protein forms T666A, T640A.
Identifiers: ClinVar variation 537065 (VCV000537065.15), dbSNP rs201212113, ClinGen allele CA9596324.

ClinVar aggregate classification (germline): Uncertain significance. Review status: criteria provided, multiple submitters, no conflicts (2 of 4 stars). 6 submissions from 6 submitters: Uncertain significance (6). Last evaluated 2026-01-06.

Conditions:
Hereditary cancer-predisposing syndrome. Also called: Tumor predisposition; Neoplastic Syndromes, Hereditary; Hereditary Cancer Syndrome; Hereditary neoplastic syndrome. Identifiers: Orphanet 140162, MedGen C0027672, MeSH D009386, MONDO:0015356.
POLD1-related disorder. Also called: POLD1-related condition; POLD1-related disorders.
Mandibular hypoplasia-deafness-progeroid syndrome. Also called: Mandibular hypoplasia, deafness, progeroid features, and lipodystrophy syndrome. Identifiers: Orphanet 363649, MedGen C3715192, MONDO:0014157, OMIM 615381.
POLD1-related polyposis and colorectal cancer syndrome (CRCS10). Also called: Colorectal cancer 10; COLORECTAL CANCER, SUSCEPTIBILITY TO, ON CHROMOSOME 19q; Colorectal cancer, susceptibility to, 10. Identifiers: Orphanet 220460, MedGen C2675481, MONDO:0012953, OMIM 612591.

Allele frequency attached by ClinVar (database versions not stated): ExAC 0.00001; gnomAD exomes 0.00001 and 0.00002; gnomAD 0.00002 and 0.00003; TOPMed 0.00005; 1000 Genomes Project 0.00020; 1000 Genomes Project 30x 0.00047.
gnomAD v4.1: 12 of 1,612,998 alleles (0.00074%); highest among the groups gnomAD compares: African/African-American, 0.013%; no homozygotes.

Submissions (6):

Labcorp Genetics (formerly Invitae), Labcorp
Classification: Uncertain significance for POLD1-related polyposis and colorectal cancer syndrome. Last evaluated: 2026-01-06. Review status: criteria provided, single submitter. Criteria: Invitae Variant Classification Sherloc (09022015). Collection method: clinical testing. Allele origin: germline.
Comment: This sequence change replaces threonine, which is neutral and polar, with alanine, which is neutral and non-polar, at codon 640 of the POLD1 protein (p.Thr640Ala). This variant is present in population databases (rs201212113, gnomAD 0.03%). This variant has not been reported in the literature in individuals affected with POLD1-related conditions. ClinVar contains an entry for this variant (Variation ID: 537065). Invitae Evidence Modeling of protein sequence and biophysical properties (such as structural, functional, and spatial information, amino acid conservation, physicochemical variation, residue mobility, and thermodynamic stability) indicates that this missense variant is not expected to disrupt POLD1 protein function with a negative predictive value of 80%. In summary, the available evidence is currently insufficient to determine the role of this variant in disease. Therefore, it has been classified as a Variant of Uncertain Significance.

Ambry Genetics
Classification: Uncertain significance for Hereditary cancer-predisposing syndrome. Last evaluated: 2025-01-07. Review status: criteria provided, single submitter. Criteria: Ambry Variant Classification Scheme 2023. Collection method: clinical testing. Allele origin: germline.
Comment: The p.T640A variant (also known as c.1918A>G), located in coding exon 15 of the POLD1 gene, results from an A to G substitution at nucleotide position 1918. The threonine at codon 640 is replaced by alanine, an amino acid with similar properties. This amino acid position is highly conserved in available vertebrate species. In addition, this alteration is predicted to be tolerated by in silico analysis. Based on the available evidence, the clinical significance of this variant remains unclear.

GeneDx
Classification: Uncertain significance. Last evaluated: 2024-07-31. Review status: criteria provided, single submitter. Criteria: GeneDx Variant Classification Process June 2021. Collection method: clinical testing. Allele origin: germline. Affected: yes.
Comment: Not observed at significant frequency in large population cohorts (gnomAD); In silico analysis supports that this missense variant has a deleterious effect on protein structure/function; Has not been previously published as pathogenic or benign to our knowledge; This variant is associated with the following publications: (PMID: 29056344, 20951805)

PreventionGenetics, part of Exact Sciences
Classification: Uncertain significance for POLD1-related condition. Last evaluated: 2023-01-25. Review status: criteria provided, single submitter. Criteria: ACMG Guidelines, 2015. Collection method: clinical testing. Allele origin: germline.
Comment: The POLD1 c.1918A>G variant is predicted to result in the amino acid substitution p.Thr640Ala. To our knowledge, this variant has not been reported in the literature. This variant is reported in 0.031% of alleles in individuals of African descent in gnomAD. In ClinVar, this variant is interpreted as uncertain. Although we suspect that this variant may be benign, at this time, the clinical significance of this variant is uncertain due to the absence of conclusive functional and genetic evidence.

Fulgent Genetics
Classification: Uncertain significance for POLD1-related polyposis and colorectal cancer syndrome; Mandibular hypoplasia-deafness-progeroid syndrome. Last evaluated: 2021-10-19. Review status: criteria provided, single submitter. Criteria: ACMG Guidelines, 2015. Collection method: clinical testing. Allele origin: unknown.

Quest Diagnostics Nichols Institute San Juan Capistrano
Classification: Uncertain significance. Last evaluated: 2020-02-28. Review status: criteria provided, single submitter. Criteria: Quest Diagnostics criteria. Collection method: clinical testing. Allele origin: unknown.

Literature cited by the submitters: PubMed 29056344 (cited by Quest Diagnostics Nichols Institute San Juan Capistrano).